The following is an entry in ClinVar:

ClinVar aggregate classification (germline): Likely benign. Review status: criteria provided, single submitter (1 of 4 stars). 2 submissions from 2 submitters: Likely benign (1). 1 of the submissions does not count toward it. Last evaluated 2023-11-09.

Conditions:
ASL-related disorder. Also called: ASL-related condition.
Argininosuccinate lyase deficiency. Also called: Argininosuccinic aciduria; ARGININOSUCCINIC ACID LYASE DEFICIENCY; ASL DEFICIENCY. Identifiers: Orphanet 23, MedGen C0268547, MONDO:0008815, OMIM 207900, HP:0025630.

Allele frequency attached by ClinVar (database versions not stated): ExAC 0.00001; gnomAD 0.00001 and 0.00002; gnomAD exomes 0.00001; TOPMed 0.00001; ESP Exome Variant Server 0.00008.
gnomAD v4.1: 18 of 1,603,500 alleles (0.0011%); highest among the groups gnomAD compares: Non-Finnish European, 0.0014%; no homozygotes.

Submissions (2):

Labcorp Genetics (formerly Invitae), Labcorp
Classification: Likely benign for Argininosuccinate lyase deficiency. Last evaluated: 2023-11-09. Review status: criteria provided, single submitter. Criteria: Invitae Variant Classification Sherloc (09022015). Collection method: clinical testing. Allele origin: germline.

PreventionGenetics, part of Exact Sciences
Classification: Likely benign for ASL-related condition. Last evaluated: 2019-07-04. Review status: no assertion criteria provided. Collection method: clinical testing. Allele origin: germline. Not counted in ClinVar's aggregate classification.
Comment: This variant is classified as likely benign based on ACMG/AMP sequence variant interpretation guidelines (Richards et al. 2015 PMID: 25741868, with internal and published modifications).

NM_000048.4(ASL):c.603-5T>C

Gene: ASL (argininosuccinate lyase; plus strand). Cytogenetic location: 7q11.21.
Variant type: single nucleotide variant.
Coding change: c.603-5T>C on transcript NM_000048.4 (MANE Select); 5 bases into the intron before coding-DNA position 603, T replaced by C.
Molecular consequence: intron variant.
Genome position (GRCh38, 1-based): chr7:66,087,329, T>C. VCF-style: chr7-66087329-T-C. GRCh37 (hg19) VCF-style: chr7-65552316-T-C.
Other names: c.603-5T>C (NM_001024943.2, NM_001024944.2, NM_000048.3); c.525-5T>C (NM_001024946.2).
Identifiers: ClinVar variation 1636594 (VCV001636594.10), dbSNP rs367999318, ClinGen allele CA4277048.